The following is an entry in ClinVar:

ClinVar aggregate classification (germline): Uncertain significance (0 of 4 stars; one submission).

Submission:

Leiden Open Variation Database
Classification: Uncertain significance. Last evaluated: 2018-10-10. Review status: no assertion criteria provided. Collection method: curation. Allele origin: germline. Affected: yes.
Comment: Curators: Marc Tischkowitz, Arleen D. Auerbach. Submitter to LOVD: Yukihide Momozawa.

Literature cited by the submitters: PubMed 30287823.

NM_024675.4(PALB2):c.3313G>T (p.Val1105Leu)

Gene: PALB2 (partner and localizer of BRCA2; minus strand). Cytogenetic location: 16p12.2.
Variant type: single nucleotide variant.
Coding change: c.3313G>T on transcript NM_024675.4 (MANE Select); coding-DNA position 3313, G replaced by T.
Protein change: p.Val1105Leu; replaces valine 1105 with leucine.
Molecular consequence: missense variant.
Genome position (GRCh38, 1-based): chr16:23,607,901, C>A on the plus strand (G>T on the coding strand, the complement: PALB2 is on the minus strand). VCF-style: chr16-23607901-C-A. GRCh37 (hg19) VCF-style: chr16-23619222-C-A.
Other names: short protein forms V1105L.
Identifiers: ClinVar variation 830204 (VCV000830204.1), dbSNP rs1966506364, ClinGen allele CA395139437.